The following is an entry in ClinVar:

ClinVar aggregate classification (germline): Uncertain significance (1 of 4 stars; one submission).

Conditions:
Hereditary cancer-predisposing syndrome. Also called: Tumor predisposition; Hereditary Cancer Syndrome; Hereditary neoplastic syndrome; Neoplastic Syndromes, Hereditary. Identifiers: Orphanet 140162, MedGen C0027672, MeSH D009386, MONDO:0015356.

Submission:

Ambry Genetics
Classification: Uncertain significance for Hereditary cancer-predisposing syndrome. Last evaluated: 2024-04-14. Review status: criteria provided, single submitter. Criteria: Ambry Variant Classification Scheme 2023. Collection method: clinical testing. Allele origin: germline.
Comment: The p.V1040A variant (also known as c.3119T>C), located in coding exon 19 of the ALK gene, results from a T to C substitution at nucleotide position 3119. The valine at codon 1040 is replaced by alanine, an amino acid with similar properties. This amino acid position is conserved. In addition, the in silico prediction for this alteration is inconclusive. Based on the available evidence, the clinical significance of this variant remains unclear.

NM_004304.5(ALK):c.3119T>C (p.Val1040Ala)

Gene: ALK (ALK receptor tyrosine kinase; minus strand). Cytogenetic location: 2p23.2.
Variant type: single nucleotide variant.
Coding change: c.3119T>C on transcript NM_004304.5 (MANE Select); coding-DNA position 3119, T replaced by C.
Protein change: p.Val1040Ala; replaces valine 1040 with alanine.
Molecular consequence: missense variant.
Genome position (GRCh38, 1-based): chr2:29,225,514, A>G on the plus strand (T>C on the coding strand, the complement: ALK is on the minus strand). VCF-style: chr2-29225514-A-G. GRCh37 (hg19) VCF-style: chr2-29448380-A-G.
Other names: short protein forms V1040A.
Identifiers: ClinVar variation 3285910 (VCV003285910.1).